The following is an entry in ClinVar:

ClinVar aggregate classification (germline): Uncertain significance (1 of 4 stars; one submission).

Submission:

Laboratory for Molecular Medicine, Mass General Brigham Personalized Medicine
Classification: Uncertain significance. Last evaluated: 2016-11-11. Review status: criteria provided, single submitter. Criteria: LMM Criteria. Collection method: clinical testing. Allele origin: germline. Observed: 3 variant alleles.
Comment: This variant is predic ted to cause a frameshift, which alters the protein?s amino acid sequence beginn ing at position 71 and leads to a premature termination codon 26 amino acids dow nstream. This alteration is then predicted to lead to a truncated or absent prot ein. Homozygous loss of ILK function has been shown to cause DCM in animal model s (Knoll 2007, White 2006, Dai 2014); however, limited data exists to link the g ene to human cardiac disease, as only two missense variants have been reported i n 2 patients with DCM (Knoll 2007, Meder 2011), neither with sufficient evidence to prove pathogenicity. In summary, the clinical significance of the p.Leu71fs variant is uncertain.

Literature cited by the submitters: PubMed 16951252; PubMed 21252143; PubMed 24319095; PubMed 17646580.

NM_004517.4(ILK):c.211del (p.Leu71fs)

Genes: TAF10 (TATA-box binding protein associated factor 10; minus strand), ILK (integrin linked kinase; plus strand). Cytogenetic location: 11p15.4.
Variant type: Deletion.
Coding change: c.211del on transcript NM_004517.4 (MANE Select); coding-DNA position 211, one base deleted (C; older notation c.211delC).
Protein change: p.Leu71fs; shifts the reading frame from leucine 71.
Molecular consequence: frameshift variant. On other transcripts: 3 prime UTR variant (1), intron variant (1).
Genome position (GRCh38, 1-based): chr11:6,608,167, C deleted; the last of 6 consecutive C bases (chr11:6,608,162-6,608,167); deleting any one gives the same sequence. VCF-style (leftmost placement, unchanged base first): chr11-6608161-AC-A. GRCh37 (hg19) VCF-style: chr11-6629391-AC-A.
Other names: c.211del, p.Leu71fs (NM_001014794.3, NM_001014795.3, NM_001278441.2); c.*2760del (NM_006284.4); c.-147-227del (NM_001278442.2); short protein forms L71fs.
Identifiers: ClinVar variation 208590 (VCV000208590.4), dbSNP rs776120061, ClinGen allele CA204568.
Genomic context (GRCh38, chr11:6,608,161, plus strand): 5'-GTGGTTGAGATGTTGATCATGCGGGGGGCACGGATCAATGTAATGAACCGTGGGGATGAC[AC>A]CCCCCTGCATCTGGCAGCCAGTCATGGACACCGTGATATTGTACAGAAGGTACGTACAAA-3'